The following is an entry in ClinVar:

ClinVar aggregate classification (germline): Uncertain significance. Review status: criteria provided, multiple submitters, no conflicts (2 of 4 stars). 2 submissions from 2 submitters: Uncertain significance (2). Last evaluated 2025-09-25.

Conditions:
Gingival disorder. Also called: Gingival disease. Identifiers: MedGen C0017563, MONDO:0002021.

Allele frequency attached by ClinVar (database versions not stated): gnomAD exomes 0.00001 and 0.00002; ExAC 0.00004; gnomAD 0.00011 and 0.00013; TOPMed 0.00013; 1000 Genomes Project 30x 0.00016; 1000 Genomes Project 0.00020; ESP Exome Variant Server 0.00023.
gnomAD v4.1: 36 of 1,614,080 alleles (0.0022%); highest among the groups gnomAD compares: African/African-American, 0.033%; no homozygotes.

Submissions (2):

Labcorp Genetics (formerly Invitae), Labcorp
Classification: Uncertain significance for Gingival disorder. Last evaluated: 2025-09-25. Review status: criteria provided, single submitter. Criteria: Invitae Variant Classification Sherloc (09022015). Collection method: clinical testing. Allele origin: germline.
Comment: This sequence change replaces alanine, which is neutral and non-polar, with threonine, which is neutral and polar, at codon 315 of the FPR1 protein (p.Ala315Thr). This variant is present in population databases (rs140083445, gnomAD 0.03%). This variant has not been reported in the literature in individuals affected with FPR1-related conditions. ClinVar contains an entry for this variant (Variation ID: 958537). An algorithm developed to predict the effect of missense changes on protein structure and function (PolyPhen-2) suggests that this variant is likely to be tolerated. In summary, the available evidence is currently insufficient to determine the role of this variant in disease. Therefore, it has been classified as a Variant of Uncertain Significance.

Ambry Genetics
Classification: Uncertain significance. Last evaluated: 2025-06-03. Review status: criteria provided, single submitter. Criteria: Ambry Variant Classification Scheme 2023. Collection method: clinical testing. Allele origin: germline.

NM_002029.4(FPR1):c.943G>A (p.Ala315Thr)

Gene: FPR1 (formyl peptide receptor 1; minus strand). Cytogenetic location: 19q13.41.
Variant type: single nucleotide variant.
Coding change: c.943G>A on transcript NM_002029.4 (MANE Select); coding-DNA position 943, G replaced by A.
Protein change: p.Ala315Thr; replaces alanine 315 with threonine.
Molecular consequence: missense variant.
Genome position (GRCh38, 1-based): chr19:51,746,052, C>T on the plus strand (G>A on the coding strand, the complement: FPR1 is on the minus strand). VCF-style: chr19-51746052-C-T. GRCh37 (hg19) VCF-style: chr19-52249305-C-T.
Other names: c.943G>A, p.Ala315Thr (NM_001193306.2); short protein forms A315T.
Identifiers: ClinVar variation 958537 (VCV000958537.12), dbSNP rs140083445, ClinGen allele CA9616356.